The following is an entry in ClinVar:

ClinVar aggregate classification (germline): Conflicting classifications of pathogenicity. Review status: criteria provided, conflicting classifications (1 of 4 stars). 8 submissions from 8 submitters: Uncertain significance (5); Likely benign (3). Last evaluated 2026-01-20.

Conditions:
PKD1-related disorder. Also called: PKD1-related condition.
Polycystic kidney disease, adult type (PKD1). Also called: Polycystic Kidney Disease 1, Autosomal Dominant; Polycystic kidney disease 1; Polycystic kidney disease 1, severe; POLYCYSTIC KIDNEY DISEASE, ADULT, TYPE I; POLYCYSTIC KIDNEY DISEASE 1 WITH OR WITHOUT POLYCYSTIC LIVER DISEASE; Polycystic Kidney, Autosomal Dominant. Identifiers: MedGen C3149841, MONDO:0008263, OMIM 173900.

Submissions (8):

PreventionGenetics, part of Exact Sciences
Classification: Uncertain significance for PKD1-related condition. Last evaluated: 2026-01-20. Review status: criteria provided, single submitter. Criteria: ACMG Guidelines, 2015. Collection method: clinical testing. Allele origin: germline.
Comment: The PKD1 c.8681_8689dup9 variant is predicted to result in an in-frame duplication (p.Ala2894_Ser2896dup). This variant has been reported in an individual with polycystic kidney disease (Neumann et al. 2013. PubMed ID: 23300259). This variant is reported in 0.099% of alleles in individuals of Ashkenazi Jewish descent in gnomAD. At this time, the clinical significance of this variant is uncertain due to the absence of conclusive functional and genetic evidence.

GeneDx
Classification: Uncertain significance. Last evaluated: 2025-12-17. Review status: criteria provided, single submitter. Criteria: GeneDx Variant Classification Process June 2021. Collection method: clinical testing. Allele origin: germline.
Comment: Reported as c.8667_8675dup9 in a patient with polycystic kidney disease in published literature, however patient level information was not provided (PMID: 23300259); In-frame duplication of three amino acids in a non-repeat region; This variant is associated with the following publications: (PMID: 23300259)

Women's Health and Genetics/Laboratory Corporation of America, LabCorp
Classification: Uncertain significance. Last evaluated: 2025-09-22. Review status: criteria provided, single submitter. Criteria: LabCorp Variant Classification Summary - May 2015. Collection method: clinical testing. Allele origin: germline.
Comment: Variant summary: PKD1 c.8681_8689dupCCAACTCCG (p.Ala2894_Ser2896dup) results in an in-frame duplication that is predicted to duplicate 3 amino acids into the encoded protein. The variant allele was found at a frequency of 0.00018 in 237420 control chromosomes. This frequency is not significantly higher than estimated for disease-causing variants in PKD1, allowing no conclusion about variant significance. c.8681_8689dupCCAACTCCG has been observed in the presumed heterozygous state in at least 1 individual(s) affected with autosomal dominant Polycystic Kidney Disease 1 (example, Carrera_2016). These data do not allow any conclusion about variant significance. To our knowledge, no experimental evidence demonstrating an impact on protein function has been reported. The following publication has been ascertained in the context of this evaluation (PMID: 27499327, 23300259). ClinVar contains an entry for this variant (Variation ID: 803162). Based on the evidence outlined above, the variant was classified as uncertain significance.

Athena Diagnostics
Classification: Uncertain significance. Last evaluated: 2023-07-25. Review status: criteria provided, single submitter. Criteria: Athena Diagnostics Criteria. Collection method: clinical testing. Allele origin: unknown.
Comment: Available data are insufficient to determine the clinical significance of the variant at this time. The frequency of this variant in the general population is higher than would generally be expected for pathogenic variants in this gene. In some published literature, this variant is referred to as c.8689_8690insCCAACTCCG or c.8667_8675dup. This variant has been seen where an alternate explanation for disease was also identified, suggesting this variant may not cause disease.

CeGaT Center for Human Genetics Tuebingen
Classification: Likely benign. Last evaluated: 2023-02-01. Review status: criteria provided, single submitter. Criteria: CeGaT Center For Human Genetics Tuebingen Variant Classification Criteria Version 2. Collection method: clinical testing. Allele origin: germline. Affected: yes. Observed: 1 variant allele.
Comment: PKD1: BS1

Fulgent Genetics
Classification: Likely benign for Polycystic kidney disease, adult type. Last evaluated: 2021-12-09. Review status: criteria provided, single submitter. Criteria: ACMG Guidelines, 2015. Collection method: clinical testing. Allele origin: unknown.

Department of Pathology and Laboratory Medicine, Sinai Health System
Classification: Uncertain significance for Polycystic kidney disease, adult type. Last evaluated: 2019-07-08. Review status: criteria provided, single submitter. Criteria: ACMG Guidelines, 2015. Collection method: clinical testing. Allele origin: germline. Affected: yes.

Mendelics
Classification: Likely benign for Polycystic kidney disease, adult type. Last evaluated: 2019-05-28. Review status: criteria provided, single submitter. Criteria: Mendelics Assertion Criteria 2017. Collection method: clinical testing. Allele origin: unknown.

Literature cited by the submitters: PubMed 23300259 (cited by Women's Health and Genetics/Laboratory Corporation of America, LabCorp and Athena Diagnostics); PubMed 27499327 (cited by Women's Health and Genetics/Laboratory Corporation of America, LabCorp and Athena Diagnostics).

NM_001009944.3(PKD1):c.8672CCAACTCCG[3] (p.2891ANS[3])

Gene: PKD1 (polycystin 1, transient receptor potential channel interacting; minus strand). Cytogenetic location: 16p13.3.
Variant type: Microsatellite.
Coding change: c.8672CCAACTCCG[3] on transcript NM_001009944.3 (MANE Select); three copies in a row of the 9-base unit CCAACTCCG starting at c.8672; the reference has two copies in a row; one copy, 9 bases duplicated; also written c.8681_8689dup.
Protein change: p.2891ANS[3].
Molecular consequence: inframe insertion.
Genome position (GRCh38, 1-based): chr16:2,103,368-2,103,376, CGGAGTTGG duplicated on the plus strand (CCAACTCCG on the coding strand, the reverse complement: PKD1 is on the minus strand); duplicating any 9 consecutive bases within chr16:2,103,368-2,103,390 gives the same sequence; the position shown is the placement nearest the transcript's 3' end. VCF-style (leftmost placement, unchanged base first): chr16-2103367-A-ACGGAGTTGG. GRCh37 (hg19) VCF-style: chr16-2153368-A-ACGGAGTTGG.
Other names: c.8672CCAACTCCG[3], p.2891ANS[3] (NM_000296.4); c.8681_8689dup (NM_001009944.2, NM_000296.3, NM_001009944.3); c.8681_8689dupCCAACTCCG (NM_001009944.3); c.8681_8689dup9 (NM_001009944.2).
Identifiers: ClinVar variation 803162 (VCV000803162.31), dbSNP rs763199524, ClinGen allele CA7830419.